The following is an entry in ClinVar:

NM_001369.3(DNAH5):c.8167C>T (p.Gln2723Ter)

Gene: DNAH5 (dynein axonemal heavy chain 5; minus strand). Cytogenetic location: 5p15.2.
Variant type: single nucleotide variant.
Coding change: c.8167C>T on transcript NM_001369.3 (MANE Select); coding-DNA position 8167, C replaced by T.
Protein change: p.Gln2723Ter; replaces glutamine 2723 with a stop codon.
Molecular consequence: nonsense.
Genome position (GRCh38, 1-based): chr5:13,793,572, G>A on the plus strand (C>T on the coding strand, the complement: DNAH5 is on the minus strand). VCF-style: chr5-13793572-G-A. GRCh37 (hg19) VCF-style: chr5-13793681-G-A.
Other names: short protein forms Q2723*.
Identifiers: ClinVar variation 665164 (VCV000665164.12), dbSNP rs1309660408, ClinGen allele CA359221180.

ClinVar aggregate classification (germline): Pathogenic. Review status: criteria provided, multiple submitters, no conflicts (2 of 4 stars). 3 submissions from 3 submitters: Pathogenic (3). Last evaluated 2025-02-14.

Conditions:
Primary ciliary dyskinesia 3. Identifiers: Orphanet 244, MedGen C1837618, MONDO:0012085, OMIM 608644.
Primary ciliary dyskinesia. Also called: Ciliary dyskinesia. Identifiers: Orphanet 244, MedGen C0008780, MONDO:0016575, HP:0012265.

Allele frequency attached by ClinVar (database versions not stated): gnomAD exomes below 0.00001.
gnomAD v4.1: 3 of 1,614,042 alleles (0.00019%); highest among the groups gnomAD compares: Non-Finnish European, 0.00025%; no homozygotes.

Submissions (3):

Natera, Inc.
Classification: Pathogenic for Primary ciliary dyskinesia. Last evaluated: 2025-02-14. Review status: criteria provided, single submitter. Criteria: Natera Variant Classification Schema (03/2026). Collection method: clinical testing. Allele origin: germline.
Comment: The c.8167C>T variant in DNAH5 is a nonsense variant predicted to introduce a stop codon at amino acid 2723. This variant is expected to result in nonsense mediated decay, truncation, or a dysfunctional protein product. This variant is rare in the general population with a frequency below the threshold expected for the associated phenotype(s). This variant has been observed in one or more individuals affected with the associated recessive disease, as either homozygous or compound heterozygous with a second variant (PMID: 16627867). Given the available evidence, this variant is classified as Pathogenic.

Myriad Genetics, Inc.
Classification: Pathogenic for Primary ciliary dyskinesia 3. Last evaluated: 2024-05-14. Review status: criteria provided, single submitter. Criteria: Myriad Autosomal Dominant, Autosomal Recessive and X-Linked Classification Criteria (2023). Collection method: clinical testing. Allele origin: unknown.
Comment: NM_001369.2(DNAH5):c.8167C>T(Q2723*) is expected to be pathogenic in the context of primary ciliary dyskinesia, DNAH5-related. This variant is predicted to lead to an abnormal or absent protein product due to the creation of a premature termination codon in DNAH5, a gene where loss-of-function variants are known to be pathogenic. Please note: this variant was assessed in the context of healthy population screening.

Labcorp Genetics (formerly Invitae), Labcorp
Classification: Pathogenic for Primary ciliary dyskinesia. Last evaluated: 2023-11-28. Review status: criteria provided, single submitter. Criteria: Invitae Variant Classification Sherloc (09022015). Collection method: clinical testing. Allele origin: germline.
Comment: This sequence change creates a premature translational stop signal (p.Gln2723*) in the DNAH5 gene. It is expected to result in an absent or disrupted protein product. Loss-of-function variants in DNAH5 are known to be pathogenic (PMID: 11788826, 16627867). This variant is not present in population databases (gnomAD no frequency). This premature translational stop signal has been observed in individual(s) with primary ciliary dyskinesia (PMID: 16627867; Invitae). ClinVar contains an entry for this variant (Variation ID: 665164). Algorithms developed to predict the effect of sequence changes on RNA splicing suggest that this variant may disrupt the consensus splice site. For these reasons, this variant has been classified as Pathogenic.

Literature cited by the submitters: PubMed 16627867 (cited by Natera, Inc. and Labcorp Genetics (formerly Invitae), Labcorp); PubMed 11788826 (cited by Labcorp Genetics (formerly Invitae), Labcorp).